The following is an entry in ClinVar:

NM_198282.4(STING1):c.520G>A (p.Glu174Lys)

Gene: STING1 (stimulator of interferon response cGAMP interactor 1; minus strand). Cytogenetic location: 5q31.2.
Variant type: single nucleotide variant.
Coding change: c.520G>A on transcript NM_198282.4 (MANE Select); coding-DNA position 520, G replaced by A.
Protein change: p.Glu174Lys; replaces glutamic acid 174 with lysine.
Molecular consequence: missense variant.
Genome position (GRCh38, 1-based): chr5:139,480,790, C>T on the plus strand (G>A on the coding strand, the complement: STING1 is on the minus strand). VCF-style: chr5-139480790-C-T. GRCh37 (hg19) VCF-style: chr5-138860375-C-T.
Other names: c.520G>A, p.Glu174Lys (NM_001301738.2); c.163G>A, p.Glu55Lys (NM_001367258.1); short protein forms E174K, E55K.
Identifiers: ClinVar variation 2004983 (VCV002004983.4), dbSNP rs2547065322, ClinGen allele CA361480922.

ClinVar aggregate classification (germline): Uncertain significance (1 of 4 stars; one submission).

Conditions:
STING-associated vasculopathy with onset in infancy. Also called: Sting-associated vasculopathy, infantile-onset. Identifiers: Orphanet 425120, MedGen C4014722, MONDO:0014405, OMIM 615934.

Allele frequency attached by ClinVar (database versions not stated): gnomAD exomes below 0.00001.

Submission:

Labcorp Genetics (formerly Invitae), Labcorp
Classification: Uncertain significance for STING-associated vasculopathy with onset in infancy. Last evaluated: 2023-02-09. Review status: criteria provided, single submitter. Criteria: Invitae Variant Classification Sherloc (09022015). Collection method: clinical testing. Allele origin: germline.
Comment: This sequence change replaces glutamic acid, which is acidic and polar, with lysine, which is basic and polar, at codon 174 of the TMEM173 protein (p.Glu174Lys). This variant also falls at the last nucleotide of exon 5, which is part of the consensus splice site for this exon. This variant is not present in population databases (gnomAD no frequency). This variant has not been reported in the literature in individuals affected with TMEM173-related conditions. Algorithms developed to predict the effect of missense changes on protein structure and function (SIFT, PolyPhen-2, Align-GVGD) all suggest that this variant is likely to be tolerated. Variants that disrupt the consensus splice site are a relatively common cause of aberrant splicing (PMID: 17576681, 9536098). Algorithms developed to predict the effect of sequence changes on RNA splicing suggest that this variant may disrupt the consensus splice site. In summary, the available evidence is currently insufficient to determine the role of this variant in disease. Therefore, it has been classified as a Variant of Uncertain Significance.

Literature cited by the submitters: PubMed 17576681; PubMed 9536098.